The following is an entry in ClinVar:

NM_033087.4(ALG2):c.84C>G (p.Gly28=)

Gene: ALG2 (ALG2 alpha-1,3/1,6-mannosyltransferase; minus strand). Cytogenetic location: 9q22.33.
Variant type: single nucleotide variant.
Coding change: c.84C>G on transcript NM_033087.4 (MANE Select); coding-DNA position 84, C replaced by G.
Protein change: p.Gly28=; no amino-acid change (glycine 28 retained).
Molecular consequence: synonymous variant. On other transcripts: non-coding transcript variant (1).
Genome position (GRCh38, 1-based): chr9:99,221,811, G>C on the plus strand (C>G on the coding strand, the complement: ALG2 is on the minus strand). VCF-style: chr9-99221811-G-C. GRCh37 (hg19) VCF-style: chr9-101984093-G-C.
Identifiers: ClinVar variation 193473 (VCV000193473.16), dbSNP rs61744789, ClinGen allele CA200606.

ClinVar aggregate classification (germline): Benign. Review status: criteria provided, multiple submitters, no conflicts (2 of 4 stars). 4 submissions from 4 submitters: Benign (4). Last evaluated 2026-02-01.

Conditions:
Congenital disorder of glycosylation, type Ii. Also called: ALG2-congenital disorder of glycosylation; ALG2-CDG; CDG Ii. Identifiers: Orphanet 79326, MedGen C1842836, MONDO:0011933, OMIM 607906.
Congenital myasthenic syndrome 14. Also called: Myasthenic syndrome, congenital, 14, with tubular aggregates. Identifiers: Orphanet 353327, Orphanet 590, MedGen C4015597, MONDO:0014543, OMIM 616228.

Allele frequency attached by ClinVar (database versions not stated): ESP Exome Variant Server 0.00055; gnomAD exomes 0.00227 and 0.00885; gnomAD 0.00268 and 0.00348; TOPMed 0.00467; ExAC 0.00782; 1000 Genomes Project 30x 0.01593; 1000 Genomes Project 0.01797.

Submissions (4):

Labcorp Genetics (formerly Invitae), Labcorp
Classification: Benign for Congenital disorder of glycosylation, type Ii; Congenital myasthenic syndrome 14. Last evaluated: 2026-02-01. Review status: criteria provided, single submitter. Criteria: Invitae Variant Classification Sherloc (09022015). Collection method: clinical testing. Allele origin: germline.

GeneDx
Classification: Benign. Last evaluated: 2016-01-14. Review status: criteria provided, single submitter. Criteria: GeneDx Variant Classification (06012015). Collection method: clinical testing. Allele origin: germline. Affected: yes.
Comment: This variant is considered likely benign or benign based on one or more of the following criteria: it is a conservative change, it occurs at a poorly conserved position in the protein, it is predicted to be benign by multiple in silico algorithms, and/or has population frequency not consistent with disease.

Eurofins Ntd Llc (ga)
Classification: Benign. Last evaluated: 2015-04-09. Review status: criteria provided, single submitter. Criteria: EGL Classification Definitions 2015. Collection method: clinical testing. Allele origin: germline. Observed: 1 variant allele, 1 heterozygote.

Breakthrough Genomics
Classification: Benign. Review status: criteria provided, single submitter. Criteria: ACMG Guidelines, 2015. Collection method: not provided. Allele origin: germline. Inheritance: Autosomal recessive inheritance. Affected: yes.